The following is an entry in ClinVar:

ClinVar aggregate classification (germline): Likely benign. Review status: criteria provided, multiple submitters, no conflicts (2 of 4 stars). 6 submissions from 6 submitters: Likely benign (5). 1 of the submissions does not count toward it. Last evaluated 2026-01-06.

Conditions:
NBN-related disorder. Also called: NBN-related condition.
Hereditary cancer-predisposing syndrome. Also called: Neoplastic Syndromes, Hereditary; Tumor predisposition; Hereditary Cancer Syndrome; Hereditary neoplastic syndrome. Identifiers: Orphanet 140162, MedGen C0027672, MeSH D009386, MONDO:0015356.
Microcephaly, normal intelligence and immunodeficiency (NBS). Also called: IMMUNODEFICIENCY, MICROCEPHALY, AND CHROMOSOMAL INSTABILITY; Nijmegen breakage syndrome; Microcephaly with normal intelligence immunodeficiency and lymphoreticular malignancies; Nonsyndromal microcephaly autosomal recessive with normal intelligence; Seemanova syndrome 2; Immunodeficiency, microcephaly with normal intelligence. Identifiers: Orphanet 647, MedGen C0398791, MONDO:0009623, OMIM 251260.

Allele frequency attached by ClinVar (database versions not stated): TOPMed 0.00009.
gnomAD v4.1: 10 of 1,613,864 alleles (0.00062%); highest among the groups gnomAD compares: East Asian, 0.018%; no homozygotes.

Submissions (6):

Labcorp Genetics (formerly Invitae), Labcorp
Classification: Likely benign for Microcephaly, normal intelligence and immunodeficiency. Last evaluated: 2026-01-06. Review status: criteria provided, single submitter. Criteria: Invitae Variant Classification Sherloc (09022015). Collection method: clinical testing. Allele origin: germline.

PreventionGenetics, part of Exact Sciences
Classification: Likely benign for NBN-related condition. Last evaluated: 2024-10-20. Review status: criteria provided, single submitter. Criteria: ACMG Guidelines, 2015. Collection method: clinical testing. Allele origin: germline.
Comment: This variant is classified as likely benign based on ACMG/AMP sequence variant interpretation guidelines (Richards et al. 2015 PMID: 25741868, with internal and published modifications).

Blueprint Genetics
Classification: Likely benign. Last evaluated: 2023-11-14. Review status: criteria provided, single submitter. Criteria: ACMG Guidelines, 2015. Collection method: clinical testing. Allele origin: germline.

GeneDx
Classification: Likely benign. Last evaluated: 2019-07-10. Review status: criteria provided, single submitter. Criteria: GeneDx Variant Classification Process June 2021. Collection method: clinical testing. Allele origin: germline. Affected: yes.
Comment: This variant is associated with the following publications: (PMID: 29338689, 30287823)

Ambry Genetics
Classification: Likely benign for Hereditary cancer-predisposing syndrome. Last evaluated: 2016-11-08. Review status: criteria provided, single submitter. Criteria: Ambry Variant Classification Scheme 2023. Collection method: clinical testing. Allele origin: germline.

Natera, Inc.
Classification: Likely benign for Nijmegen breakage syndrome. Last evaluated: 2020-09-16. Review status: no assertion criteria provided. Collection method: clinical testing. Allele origin: germline. Not counted in ClinVar's aggregate classification.

NM_002485.5(NBN):c.105T>A (p.Ile35=)

Gene: NBN (nibrin; minus strand). Cytogenetic location: 8q21.3.
Variant type: single nucleotide variant.
Coding change: c.105T>A on transcript NM_002485.5 (MANE Select); coding-DNA position 105, T replaced by A.
Protein change: p.Ile35=; no amino-acid change (isoleucine 35 retained).
Molecular consequence: synonymous variant. On other transcripts: 5 prime UTR variant (1).
Genome position (GRCh38, 1-based): chr8:89,982,788, A>T on the plus strand (T>A on the coding strand, the complement: NBN is on the minus strand). VCF-style: chr8-89982788-A-T. GRCh37 (hg19) VCF-style: chr8-90995016-A-T.
Other names: c.-192T>A (NM_001024688.3).
Identifiers: ClinVar variation 392094 (VCV000392094.24), dbSNP rs78870221, ClinGen allele CA4803057.